The following is an entry in ClinVar:

NM_000383.4(AIRE):c.1528G>A (p.Ala510Thr)

Genes: AIRE (autoimmune regulator; plus strand), LOC130066813 (ATAC-STARR-seq lymphoblastoid silent region 13378; plus strand). Cytogenetic location: 21q22.3.
Variant type: single nucleotide variant.
Coding change: c.1528G>A on transcript NM_000383.4 (MANE Select); coding-DNA position 1528, G replaced by A.
Protein change: p.Ala510Thr; replaces alanine 510 with threonine.
Molecular consequence: missense variant.
Genome position (GRCh38, 1-based): chr21:44,296,407, G>A. VCF-style: chr21-44296407-G-A. GRCh37 (hg19) VCF-style: chr21-45716290-G-A.
Other names: short protein forms A510T.
Identifiers: ClinVar variation 2163148 (VCV002163148.1), dbSNP rs754625743, ClinGen allele CA10052174.

ClinVar aggregate classification (germline): Uncertain significance (1 of 4 stars; one submission).

Conditions:
Polyglandular autoimmune syndrome, type 1 (APS1). Also called: PGA I; AUTOIMMUNE POLYENDOCRINE SYNDROME, TYPE I, WITH OR WITHOUT REVERSIBLE METAPHYSEAL DYSPLASIA; APS I; Autoimmune polyendocrinopathy syndrome , type I, with or without reversible metaphyseal dysplasia; Whitaker syndrome; HYPOADRENOCORTICISM WITH HYPOPARATHYROIDISM AND SUPERFICIAL MONILIASIS. Identifiers: Orphanet 3453, MedGen C0085859, MONDO:0009411, OMIM 240300.

Allele frequency attached by ClinVar (database versions not stated): gnomAD 0.00001.

Submission:

Labcorp Genetics (formerly Invitae), Labcorp
Classification: Uncertain significance for Polyglandular autoimmune syndrome, type 1. Last evaluated: 2022-09-16. Review status: criteria provided, single submitter. Criteria: Invitae Variant Classification Sherloc (09022015). Collection method: clinical testing. Allele origin: germline.
Comment: This sequence change replaces alanine, which is neutral and non-polar, with threonine, which is neutral and polar, at codon 510 of the AIRE protein (p.Ala510Thr). This variant is present in population databases (rs754625743, gnomAD 0.009%). This variant has not been reported in the literature in individuals affected with AIRE-related conditions. Advanced modeling of protein sequence and biophysical properties (such as structural, functional, and spatial information, amino acid conservation, physicochemical variation, residue mobility, and thermodynamic stability) performed at Invitae indicates that this missense variant is not expected to disrupt AIRE protein function. In summary, the available evidence is currently insufficient to determine the role of this variant in disease. Therefore, it has been classified as a Variant of Uncertain Significance.